The following is an entry in ClinVar:

ClinVar aggregate classification (germline): Conflicting classifications of pathogenicity. Review status: criteria provided, conflicting classifications (1 of 4 stars). 6 submissions from 5 submitters: Uncertain significance (5); Likely benign (1). Last evaluated 2025-12-30.

Conditions:
Hereditary cancer-predisposing syndrome. Also called: Tumor predisposition; Hereditary neoplastic syndrome; Neoplastic Syndromes, Hereditary; Hereditary Cancer Syndrome. Identifiers: Orphanet 140162, MedGen C0027672, MeSH D009386, MONDO:0015356.
Cardiovascular phenotype. Identifiers: MedGen CN230736.
Juvenile myelomonocytic leukemia (JMML). Also called: LEUKEMIA, JUVENILE MYELOMONOCYTIC, SOMATIC. Identifiers: Orphanet 86834, MedGen C0349639, MONDO:0011908, OMIM 607785, HP:0012209.
Neurofibromatosis, type 1 (NF1). Also called: Peripheral type neurofibromatosis; NEUROFIBROMATOSIS, TYPE I, SOMATIC; Neurofibromatosis, type I; VON RECKLINGHAUSEN DISEASE. Identifiers: Orphanet 636, MedGen C0027831, MONDO:0018975, OMIM 162200. Disease mechanism: loss of function.

Allele frequency attached by ClinVar (database versions not stated): TOPMed below 0.00001; gnomAD 0.00001.
gnomAD v4.1: 3 of 1,613,620 alleles (0.00019%); highest among the groups gnomAD compares: Non-Finnish European, 0.00025%; no homozygotes.

Submissions (6):

Labcorp Genetics (formerly Invitae), Labcorp
Classification: Likely benign for Neurofibromatosis, type 1. Last evaluated: 2025-12-30. Review status: criteria provided, single submitter. Criteria: Invitae Variant Classification Sherloc (09022015). Collection method: clinical testing. Allele origin: germline.

GeneDx
Classification: Uncertain significance. Last evaluated: 2024-03-01. Review status: criteria provided, single submitter. Criteria: GeneDx Variant Classification Process June 2021. Collection method: clinical testing. Allele origin: germline. Affected: yes.
Comment: Not observed in large population cohorts (gnomAD); In silico analysis supports that this missense variant does not alter protein structure/function; Has not been previously published as pathogenic or benign to our knowledge

Baylor Genetics
Classification: Uncertain significance for Juvenile myelomonocytic leukemia. Last evaluated: 2024-02-11. Review status: criteria provided, single submitter. Criteria: ACMG Guidelines, 2015. Collection method: clinical testing. Allele origin: unknown.

Genome-Nilou Lab
Classification: Uncertain significance for Neurofibromatosis, type 1. Last evaluated: 2022-03-15. Review status: criteria provided, single submitter. Criteria: ACMG Guidelines, 2015. Collection method: clinical testing. Allele origin: germline. Affected: no.

Ambry Genetics
Classification: Uncertain significance for Cardiovascular phenotype; Hereditary cancer-predisposing syndrome. Last evaluated: 2021-04-19. Review status: criteria provided, single submitter. Criteria: Ambry Variant Classification Scheme 2023. Collection method: clinical testing. Allele origin: germline.

Ambry Genetics
Classification: Uncertain significance for Hereditary cancer-predisposing syndrome. Last evaluated: 2016-01-14. Review status: criteria provided, single submitter. Criteria: Ambry Autosomal Dominant and X-Linked criteria (10/2015). Collection method: clinical testing. Allele origin: germline. Observed: 1 variant allele.
Comment: The p.I2548R variant (also known as c.7643T>G), located in coding exon 52 of the NF1 gene, results from a T to G substitution at nucleotide position 7643. The isoleucine at codon 2548 is replaced by arginine, an amino acid with some similar properties. This variant was not reported in population based cohorts in the following databases: Database of Single Nucleotide Polymorphisms (dbSNP), NHLBI Exome Sequencing Project (ESP), and 1000 Genomes Project. In the ESP, this variant was not observed in 6503 samples (13006 alleles) with coverage at this position. To date, this alteration has been detected with an allele frequency of approximately 0.002% (greater than 110000 alleles tested) in our clinical cohort. This amino acid position is highly conserved in available vertebrate species. In addition, the in silico prediction for this alteration is inconclusive. Since supporting evidence is limited at this time, the clinical significance of p.I2548R remains unclear.

NM_001042492.3(NF1):c.7643T>G (p.Ile2548Arg)

Gene: NF1 (neurofibromin 1; plus strand). Cytogenetic location: 17q11.2.
Variant type: single nucleotide variant.
Coding change: c.7643T>G on transcript NM_001042492.3 (MANE Select); coding-DNA position 7643, T replaced by G.
Protein change: p.Ile2548Arg; replaces isoleucine 2548 with arginine.
Molecular consequence: missense variant.
Genome position (GRCh38, 1-based): chr17:31,356,487, T>G. VCF-style: chr17-31356487-T-G. GRCh37 (hg19) VCF-style: chr17-29683505-T-G.
Other names: c.7580T>G, p.Ile2527Arg (NM_000267.4); short protein forms I2548R, I2527R.
Identifiers: ClinVar variation 219822 (VCV000219822.17), dbSNP rs864622266, ClinGen allele CA350632.